The following is an entry in ClinVar:

NM_003001.5(SDHC):c.406-10T>C

Gene: SDHC (succinate dehydrogenase complex subunit C; plus strand). Cytogenetic location: 1q23.3.
Variant type: single nucleotide variant.
Coding change: c.406-10T>C on transcript NM_003001.5 (MANE Select); 10 bases into the intron before coding-DNA position 406, T replaced by C.
Molecular consequence: intron variant.
Genome position (GRCh38, 1-based): chr1:161,362,319, T>C. VCF-style: chr1-161362319-T-C. GRCh37 (hg19) VCF-style: chr1-161332109-T-C.
Other names: c.295-10T>C (NM_001407119.1, NM_001407120.1); c.526-10T>C (NM_001407115.1); c.242-10T>C (NM_001035511.3); c.304-10T>C (NM_001035512.3); c.140-10T>C (NM_001278172.3); c.298-10T>C (NM_001407118.1); c.349-10T>C (NM_001407116.1); c.185-10T>C (NM_001407121.1); and 2 more.
Identifiers: ClinVar variation 1094769 (VCV001094769.9), dbSNP rs1060504225, ClinGen allele CA526963475.
Genomic context (GRCh38, chr1:161,362,319, plus strand): 5'-TTTCTGAGACAGGAACTGTTAATGTCCTATTTACTGAAATTCCTTTTTTTTTTTTTTGCT[T>C]TGTCCACAGATGTGGGACCTAGGAAAAGGCCTGAAGATTCCCCAGCTATACCAGTCTGGA-3'

ClinVar aggregate classification (germline): Likely benign. Review status: criteria provided, multiple submitters, no conflicts (2 of 4 stars). 2 submissions from 2 submitters: Likely benign (2). Last evaluated 2025-03-17.

Conditions:
Pheochromocytoma/paraganglioma syndrome 3. Also called: Paragangliomas 3; SDHC-Related Hereditary Paraganglioma-Pheochromocytoma Syndrome (Paragangliomas 3); SDHC-Related Hereditary Paraganglioma-Pheochromocytoma Syndrome; GLOMUS TUMORS, FAMILIAL, 3. Identifiers: Orphanet 29072, MedGen C1854336, MONDO:0011544, OMIM 605373.
Gastrointestinal stromal tumor. Also called: Gastrointestinal stroma tumor; Gastrointestinal stromal tumor, somatic. Identifiers: Orphanet 44890, MedGen C0238198, MeSH D046152, MONDO:0011719, OMIM 606764, HP:0100723.

Allele frequency attached by ClinVar (database versions not stated): gnomAD exomes below 0.00001.
gnomAD v4.1: 1 of 1,612,866 alleles (0.000062%); highest among the groups gnomAD compares: Non-Finnish European, 0.000085%; no homozygotes.

Submissions (2):

Myriad Genetics, Inc.
Classification: Likely benign for Pheochromocytoma/paraganglioma syndrome 3. Last evaluated: 2025-03-17. Review status: criteria provided, single submitter. Criteria: Myriad Autosomal Dominant, Autosomal Recessive and X-Linked Classification Criteria (2023). Collection method: clinical testing. Allele origin: unknown.
Comment: This variant is considered likely benign. This variant is intronic and is not expected to impact mRNA splicing.

Labcorp Genetics (formerly Invitae), Labcorp
Classification: Likely benign for Pheochromocytoma/paraganglioma syndrome 3; Gastrointestinal stromal tumor. Last evaluated: 2019-04-08. Review status: criteria provided, single submitter. Criteria: Invitae Variant Classification Sherloc (09022015). Collection method: clinical testing. Allele origin: germline.